The following is an entry in ClinVar:

NM_001267550.2(TTN):c.47761-1G>A

Genes: TTN (titin; minus strand), TTN-AS1 (TTN antisense RNA 1; plus strand). Cytogenetic location: 2q31.2.
Variant type: single nucleotide variant.
Coding change: c.47761-1G>A on transcript NM_001267550.2 (MANE Select); the canonical splice acceptor site of the intron before coding-DNA position 47761, G replaced by A.
Molecular consequence: splice acceptor variant.
Genome position (GRCh38, 1-based): chr2:178,617,235, C>T on the plus strand (G>A on the coding strand, the complement: TTN is on the minus strand). VCF-style: chr2-178617235-C-T. GRCh37 (hg19) VCF-style: chr2-179481962-C-T.
Other names: c.20566-1G>A (NM_003319.4); c.21142-1G>A (NM_133437.4); c.20941-1G>A (NM_133432.3); c.40057-1G>A (NM_133378.4); c.42838-1G>A (NM_001256850.1).
Identifiers: ClinVar variation 4784346 (VCV004784346.2).

ClinVar aggregate classification (germline): Likely pathogenic. Review status: criteria provided, multiple submitters, no conflicts (2 of 4 stars). 2 submissions from 2 submitters: Likely pathogenic (2). Last evaluated 2025-08-21.

Conditions:
Dilated cardiomyopathy 1G (CMD1G). Identifiers: Orphanet 154, MedGen C1858763, MONDO:0011400, OMIM 604145.
Autosomal recessive limb-girdle muscular dystrophy type 2J (LGMDR10). Also called: Limb-girdle muscular dystrophy, type 2J; MUSCULAR DYSTROPHY, LIMB-GIRDLE, AUTOSOMAL RECESSIVE 10. Identifiers: Orphanet 140922, MedGen C1837342, MONDO:0012127, OMIM 608807.

Submissions (2):

GeneDx
Classification: Likely pathogenic. Last evaluated: 2025-08-21. Review status: criteria provided, single submitter. Criteria: GeneDx Variant Classification Process June 2021. Collection method: clinical testing. Allele origin: germline. Affected: yes.
Comment: Canonical splice site variant predicted to result in a null allele in a gene for which loss of function is a known mechanism of disease; Not observed at significant frequency in large population cohorts (gnomAD); Has not been previously published as pathogenic or benign to our knowledge; Located in the A-band, a region of TTN for which truncating variants are significantly associated with autosomal dominant cardiomyopathy and also with autosomal recessive skeletal myopathies (PMID: 22335739, 32778822); This variant is associated with the following publications: (PMID: 22335739, 32778822)

Labcorp Genetics (formerly Invitae), Labcorp
Classification: Likely pathogenic for Dilated cardiomyopathy 1G; Autosomal recessive limb-girdle muscular dystrophy type 2J. Last evaluated: 2025-03-05. Review status: criteria provided, single submitter. Criteria: Invitae Variant Classification Sherloc (09022015). Collection method: clinical testing. Allele origin: germline.
Comment: This sequence change affects an acceptor splice site in intron 254 of the TTN gene. It is expected to disrupt RNA splicing and likely results in a truncated or disrupted TTN protein. This variant is not present in population databases (gnomAD no frequency). This variant has not been reported in the literature in individuals affected with TTN-related conditions. Algorithms developed to predict the effect of sequence changes on RNA splicing suggest that this variant may disrupt the consensus splice site. This variant is located in the A band of TTN (PMID: 25589632). Truncating variants in this region are significantly overrepresented in patients affected with dilated cardiomyopathy (PMID: 25589632). Truncating variants in this region have also been reported in individuals affected with autosomal recessive centronuclear myopathy (PMID: 23975875). In summary, the currently available evidence indicates that the variant is pathogenic, but additional data are needed to prove that conclusively. Therefore, this variant has been classified as Likely Pathogenic.

Literature cited by the submitters: PubMed 25589632 (cited by Labcorp Genetics (formerly Invitae), Labcorp); PubMed 23975875 (cited by Labcorp Genetics (formerly Invitae), Labcorp).